The following is an entry in ClinVar:

ClinVar aggregate classification (germline): Uncertain significance (0 of 4 stars; one submission).

Conditions:
CSMD1-related disorder. Also called: CSMD1-related condition.

Allele frequency attached by ClinVar (database versions not stated): gnomAD 0.00002; ExAC 0.00003.
gnomAD v4.1: 60 of 1,588,208 alleles (0.0038%); highest among the groups gnomAD compares: Non-Finnish European, 0.0049%; no homozygotes.

Submission:

PreventionGenetics, part of Exact Sciences
Classification: Uncertain significance for CSMD1-related condition. Last evaluated: 2023-11-13. Review status: no assertion criteria provided. Collection method: clinical testing. Allele origin: germline.
Comment: The CSMD1 c.379G>T variant is predicted to result in the amino acid substitution p.Ala127Ser. To our knowledge, this variant has not been reported in the literature. This variant is reported in 0.0058% of alleles in individuals of East Asian descent in gnomAD. At this time, the clinical significance of this variant is uncertain due to the absence of conclusive functional and genetic evidence.

NM_033225.6(CSMD1):c.379G>T (p.Ala127Ser)

Gene: CSMD1 (CUB and Sushi multiple domains 1; minus strand). Cytogenetic location: 8p23.2.
Variant type: single nucleotide variant.
Coding change: c.379G>T on transcript NM_033225.6 (MANE Select); coding-DNA position 379, G replaced by T.
Protein change: p.Ala127Ser; replaces alanine 127 with serine.
Molecular consequence: missense variant.
Genome position (GRCh38, 1-based): chr8:4,419,989, C>A on the plus strand (G>T on the coding strand, the complement: CSMD1 is on the minus strand). VCF-style: chr8-4419989-C-A. GRCh37 (hg19) VCF-style: chr8-4277511-C-A.
Other names: short protein forms A127S.
Identifiers: ClinVar variation 3061725 (VCV003061725.2), dbSNP rs749582834, ClinGen allele CA4609717.